The following is an entry in ClinVar:

ClinVar aggregate classification (germline): Conflicting classifications of pathogenicity. Review status: criteria provided, conflicting classifications (1 of 4 stars). 9 submissions from 8 submitters: Pathogenic (5); Likely pathogenic (1); Uncertain significance (2). 1 of the submissions does not count toward it. Last evaluated 2025-06-02.

Conditions:
Epidermolysis bullosa pruriginosa. Also called: DEB, PRURIGINOSA; DYSTROPHIC EPIDERMOLYSIS BULLOSA PRURIGINOSA. Identifiers: Orphanet 89843, MedGen C1275114, MONDO:0011398, OMIM 604129.
Recessive dystrophic epidermolysis bullosa (RDEB). Also called: epidermolysis bullosa dystrophica, autosomal recessive; DYSTROPHIC EPIDERMOLYSIS BULLOSA, AUTOSOMAL RECESSIVE; EPIDERMOLYSIS BULLOSA DYSTROPHICA, HALLOPEAU-SIEMENS TYPE; Recessive DEB (RDEB); Hallopeau-Siemens Disease; severe generalized recessive dystrophic epidermolysis bullosa. Identifiers: Orphanet 79408, Orphanet 79409, MedGen C0079474, MONDO:0009179, OMIM 226600.
Generalized dominant dystrophic epidermolysis bullosa (DDEB). Also called: DDEB, generalized; DDEB-gen; Dominant DEB (DDEB); DYSTROPHIC EPIDERMOLYSIS BULLOSA, AUTOSOMAL DOMINANT; Epidermolysis bullosa dystrophica, autosomal dominant. Identifiers: Orphanet 231568, MedGen C0432322, MONDO:0007549, OMIM 131750.
Transient bullous dermolysis of the newborn (TBDN). Also called: DYSTROPHIC EPIDERMOLYSIS BULLOSA, NEONATAL; EPIDERMOLYSIS BULLOSA DYSTROPHICA, NEONATAL FORM. Identifiers: Orphanet 79411, MedGen C1851573, MONDO:0007548, OMIM 131705.
Nonsyndromic congenital nail disorder 8. Also called: TOENAIL DYSTROPHY, ISOLATED. Identifiers: MedGen C1843761, MONDO:0011852, OMIM 607523.
Dominant dystrophic epidermolysis bullosa with absence of skin. Also called: EPIDERMOLYSIS BULLOSA WITH CONGENITAL LOCALIZED ABSENCE OF SKIN AND DEFORMITY OF NAILS; EPIDERMOLYSIS BULLOSA DYSTROPHICA, BART TYPE. Identifiers: MedGen C0268371, MONDO:0007557, OMIM 132000.
Pretibial dystrophic epidermolysis bullosa. Also called: EPIDERMOLYSIS BULLOSA DYSTROPHICA, PRETIBIAL; Pretibial epidermolysis bullosa; Pretibial blistering. Identifiers: Orphanet 79410, MedGen C0432321, MONDO:0007552, OMIM 131850, HP:0012221.
Duane retraction syndrome. Also called: Duane Syndrome; Duane's syndrome; RETRACTION SYNDROME; Duane anomaly. Identifiers: Orphanet 233, MedGen C0013261, MONDO:0007473, HP:0009921.
Epidermolysis bullosa dystrophica. Also called: Dystrophic epidermolysis bullosa, Hallopeau-Siemens type (formerly); Dystrophic epidermolysis bullosa. Identifiers: Orphanet 303, MedGen C0079294, MONDO:0006543.

Allele frequency attached by ClinVar (database versions not stated): gnomAD exomes 0.00001 and 0.00003; ExAC 0.00001; gnomAD 0.00002; TOPMed 0.00002.
gnomAD v4.1: 15 of 1,609,700 alleles (0.00093%); highest among the groups gnomAD compares: Non-Finnish European, 0.00017%; no homozygotes.

Submissions (9):

Natera, Inc.
Classification: Likely pathogenic for Dystrophic epidermolysis bullosa. Last evaluated: 2025-06-02. Review status: criteria provided, single submitter. Criteria: Natera Variant Classification Schema (03/2026). Collection method: clinical testing. Allele origin: germline.
Comment: The c.6091G>A variant in COL7A1 is a missense variant predicted to cause substitution of glycine to serine at amino acid 2031. This variant has been observed in one or more individuals affected with the associated recessive disease, as either homozygous or compound heterozygous with a second variant (PMID: 27899325, 27746867, 30924923). Computational prediction algorithms indicate this variant is likely to affect gene or protein function. Given the available evidence, this variant is classified as Likely Pathogenic.

Labcorp Genetics (formerly Invitae), Labcorp
Classification: Pathogenic. Last evaluated: 2025-03-30. Review status: criteria provided, single submitter. Criteria: Invitae Variant Classification Sherloc (09022015). Collection method: clinical testing. Allele origin: germline.
Comment: This sequence change replaces glycine, which is neutral and non-polar, with serine, which is neutral and polar, at codon 2031 of the COL7A1 protein (p.Gly2031Ser). This variant is present in population databases (rs121912838, gnomAD 0.06%). This missense change has been observed in individual(s) with autosomal recessive epidermolysis bullosa (PMID: 11167698, 27746867). ClinVar contains an entry for this variant (Variation ID: 17446). Invitae Evidence Modeling of protein sequence and biophysical properties (such as structural, functional, and spatial information, amino acid conservation, physicochemical variation, residue mobility, and thermodynamic stability) indicates that this missense variant is expected to disrupt COL7A1 protein function with a positive predictive value of 95%. This variant disrupts the triple helix domain of COL7A1. Glycine residues within the Gly-Xaa-Yaa repeats of the triple helix domain are required for the structure and stability of fibrillar collagens (PMID: 7695699, 8218237, 19344236), and variants at these glycine residues in COL7A1 are more frequently observed in individuals with disease than in the general population (PMID: 22058051). However, the clinical significance of this observation remains uncertain since only a limited number of affected individuals have been described to date. For these reasons, this variant has been classified as Pathogenic.

Myriad Genetics, Inc.
Classification: Pathogenic for Recessive dystrophic epidermolysis bullosa. Last evaluated: 2025-01-15. Review status: criteria provided, single submitter. Criteria: Myriad Autosomal Dominant, Autosomal Recessive and X-Linked Classification Criteria (2023). Collection method: clinical testing. Allele origin: unknown.
Comment: NM_000094.3(COL7A1):c.6091G>A(G2031S) is a missense variant classified as pathogenic in the context of dystrophic epidermolysis bullosa. G2031S has been observed in cases with relevant disease (PMID: 11167698, 27746867, 34435747, 16439963). Relevant functional assessments of this variant are available in the literature (PMID: 12228020). G2031S has been observed in referenced population frequency databases. In summary, NM_000094.3(COL7A1):c.6091G>A(G2031S) is a missense variant that has been observed more frequently in cases with the relevant disease than in healthy populations. Please note: this variant was assessed in the context of healthy population screening.

Fulgent Genetics
Classification: Pathogenic for Transient bullous dermolysis of the newborn; Generalized dominant dystrophic epidermolysis bullosa; Pretibial dystrophic epidermolysis bullosa; Dominant dystrophic epidermolysis bullosa with absence of skin; Recessive dystrophic epidermolysis bullosa; Epidermolysis bullosa pruriginosa; Nonsyndromic congenital nail disorder 8. Last evaluated: 2024-03-05. Review status: criteria provided, single submitter. Criteria: ACMG Guidelines, 2015. Collection method: clinical testing. Allele origin: germline.

Broad Center for Mendelian Genomics, Broad Institute of MIT and Harvard
Classification: Uncertain significance for Duane retraction syndrome. Last evaluated: 2024-02-26. Review status: criteria provided, single submitter. Criteria: ACMG Guidelines, 2015. Collection method: curation. Allele origin: germline. Inheritance: Autosomal dominant inheritance.
Comment: While this gene has a definitive gene-disease association with autosomal dominant or recessive dystrophic epidermolysis bullosa and an autosomal dominant nail disorder, it is lacking sufficient evidence to establish a gene-disease relationship for DRS. An additional variant (p.Arg894Cys) in KIF5C was also detected in heterozygosity with this variant. While these genes are lacking sufficient evidence, we believe that both variants may be contributing to the phenotype. Given the limited information about this gene-disease relationship, the significance of the p.Gly2031Ser variant is uncertain. If you have any additional information about functional evidence or other individuals with this phenotype that also have variants in COL7A1 we encourage you to reach out to the Engle Lab.

GeneDx
Classification: Pathogenic. Last evaluated: 2022-10-10. Review status: criteria provided, single submitter. Criteria: GeneDx Variant Classification Process June 2021. Collection method: clinical testing. Allele origin: germline. Affected: yes.
Comment: Identified in multiple unrelated patients referred for genetic testing at GeneDx and in the published literature, with either an autosomal dominant or autosomal recessive inheritance pattern, sometimes presenting with different inheritance patterns in members of the same family (Almaani et al., 2011; Hamidi et al., 2016; E Pfendner, unpublished); Located in the highly conserved Gly-X-Y repeat of the collagenous domain; Glycine substitution variants in this region of the COLVII protein destabilize the collagen triple helix resulting in skin fragility due to poor anchoring of the basement membrane to the underlying dermis (Pfendner and Lucky, 2018); In silico analysis supports that this missense variant has a deleterious effect on protein structure/function; This variant is associated with the following publications: (PMID: 34435747, 21448560, 11167698, 27746867, 31216405, 30924923)

Baylor Genetics
Classification: Uncertain significance for Recessive dystrophic epidermolysis bullosa; Dominant dystrophic epidermolysis bullosa with absence of skin; Generalized dominant dystrophic epidermolysis bullosa; Epidermolysis bullosa pruriginosa; Pretibial dystrophic epidermolysis bullosa; Nonsyndromic congenital nail disorder 8; Transient bullous dermolysis of the newborn. Last evaluated: 2012-09-20. Review status: criteria provided, single submitter. Criteria: ACMG Guidelines, 2015. Collection method: clinical testing. Allele origin: germline. Affected: yes.

Baylor Genetics
Classification: Pathogenic for Recessive dystrophic epidermolysis bullosa. Review status: criteria provided, single submitter. Criteria: ACMG Guidelines, 2015. Collection method: clinical testing. Allele origin: unknown.

OMIM
Classification: Pathogenic for EPIDERMOLYSIS BULLOSA DYSTROPHICA, AUTOSOMAL RECESSIVE. Last evaluated: 2001-01-01. Review status: no assertion criteria provided. Collection method: literature only. Allele origin: germline. Not counted in ClinVar's aggregate classification.

Literature cited by the submitters: PubMed 27899325 (cited by Natera, Inc.); PubMed 27746867 (cited by 4 submitters); PubMed 30924923 (cited by Natera, Inc.); PubMed 11167698 (cited by 4 submitters); PubMed 7695699 (cited by Labcorp Genetics (formerly Invitae), Labcorp); PubMed 8218237 (cited by Labcorp Genetics (formerly Invitae), Labcorp); PubMed 19344236 (cited by Labcorp Genetics (formerly Invitae), Labcorp); PubMed 22058051 (cited by Labcorp Genetics (formerly Invitae), Labcorp); PubMed 12228020 (cited by Myriad Genetics, Inc.); PubMed 16439963 (cited by Myriad Genetics, Inc.); PubMed 34435747 (cited by Myriad Genetics, Inc.); PubMed 21448560 (cited by Baylor Genetics).

NM_000094.4(COL7A1):c.6091G>A (p.Gly2031Ser)

Gene: COL7A1 (collagen type VII alpha 1 chain; minus strand). Cytogenetic location: 3p21.31.
Variant type: single nucleotide variant.
Coding change: c.6091G>A on transcript NM_000094.4 (MANE Select); coding-DNA position 6091, G replaced by A.
Protein change: p.Gly2031Ser; replaces glycine 2031 with serine.
Molecular consequence: missense variant.
Genome position (GRCh38, 1-based): chr3:48,575,428, C>T on the plus strand (G>A on the coding strand, the complement: COL7A1 is on the minus strand). VCF-style: chr3-48575428-C-T. GRCh37 (hg19) VCF-style: chr3-48612861-C-T.
Other names: NM_000094.4(COL7A1):c.6091G>A; short protein forms G2031S.
Identifiers: ClinVar variation 17446 (VCV000017446.19), dbSNP rs121912838, ClinGen allele CA257946.